The following is an entry in ClinVar:

ClinVar aggregate classification (germline): Uncertain significance. Review status: criteria provided, multiple submitters, no conflicts (2 of 4 stars). 4 submissions from 4 submitters: Uncertain significance (4). Last evaluated 2023-12-22.

Conditions:
Inborn genetic diseases. Identifiers: MedGen C0950123, MeSH D030342.

Allele frequency attached by ClinVar (database versions not stated): TOPMed below 0.00001; ExAC 0.00001; gnomAD 0.00001; gnomAD exomes 0.00001.
gnomAD v4.1: 9 of 1,614,070 alleles (0.00056%); highest among the groups gnomAD compares: Middle Eastern, 0.016%; no homozygotes.

Submissions (4):

Ambry Genetics
Classification: Uncertain significance for Inborn genetic diseases. Last evaluated: 2023-12-22. Review status: criteria provided, single submitter. Criteria: Ambry Variant Classification Scheme 2023. Collection method: clinical testing. Allele origin: germline.

Labcorp Genetics (formerly Invitae), Labcorp
Classification: Uncertain significance. Last evaluated: 2023-12-11. Review status: criteria provided, single submitter. Criteria: Invitae Variant Classification Sherloc (09022015). Collection method: clinical testing. Allele origin: germline.
Comment: This sequence change replaces valine, which is neutral and non-polar, with methionine, which is neutral and non-polar, at codon 521 of the TJP2 protein (p.Val521Met). This variant is present in population databases (rs765095120, gnomAD 0.003%). This variant has not been reported in the literature in individuals affected with TJP2-related conditions. ClinVar contains an entry for this variant (Variation ID: 288370). Advanced modeling of protein sequence and biophysical properties (such as structural, functional, and spatial information, amino acid conservation, physicochemical variation, residue mobility, and thermodynamic stability) performed at Invitae indicates that this missense variant is expected to disrupt TJP2 protein function with a positive predictive value of 80%. In summary, the available evidence is currently insufficient to determine the role of this variant in disease. Therefore, it has been classified as a Variant of Uncertain Significance.

GeneDx
Classification: Uncertain significance. Last evaluated: 2019-11-26. Review status: criteria provided, single submitter. Criteria: GeneDx Variant Classification Process June 2021. Collection method: clinical testing. Allele origin: germline. Affected: yes.
Comment: In silico analysis, which includes protein predictors and evolutionary conservation, supports that this variant does not alter protein structure/function; Has not been previously published as pathogenic or benign to our knowledge

Eurofins Ntd Llc (ga)
Classification: Uncertain significance. Last evaluated: 2016-06-24. Review status: criteria provided, single submitter. Criteria: EGL Classification Definitions 2015. Collection method: clinical testing. Allele origin: germline. Observed: 1 variant allele, 1 heterozygote.

NM_004817.4(TJP2):c.1561G>A (p.Val521Met)

Gene: TJP2 (tight junction protein 2; plus strand). Cytogenetic location: 9q21.11.
Variant type: single nucleotide variant.
Coding change: c.1561G>A on transcript NM_004817.4 (MANE Select); coding-DNA position 1561, G replaced by A.
Protein change: p.Val521Met; replaces valine 521 with methionine.
Molecular consequence: missense variant.
Genome position (GRCh38, 1-based): chr9:69,230,122, G>A. VCF-style: chr9-69230122-G-A. GRCh37 (hg19) VCF-style: chr9-71845038-G-A.
Other names: c.1561G>A, p.Val521Met (LRG_1201t1, NM_001369872.1, NM_001369873.1 and 1 more transcripts); c.1492G>A, p.Val498Met (NM_001170414.2, NM_001369871.1); c.1573G>A, p.Val525Met (NM_001170415.1, NM_001369874.1, NM_001369875.1); c.1654G>A, p.Val552Met (NM_001170416.2); c.1486G>A, p.Val496Met (NM_001369870.1); short protein forms V521M, V496M, V552M, V498M, V525M.
Identifiers: ClinVar variation 288370 (VCV000288370.12), dbSNP rs765095120, ClinGen allele CA5073369.